The following is an entry in ClinVar:

NM_001105206.3(LAMA4):c.1630C>T (p.Pro544Ser)

Gene: LAMA4 (laminin subunit alpha 4; minus strand). Cytogenetic location: 6q21.
Variant type: single nucleotide variant.
Coding change: c.1630C>T on transcript NM_001105206.3 (MANE Select); coding-DNA position 1630, C replaced by T.
Protein change: p.Pro544Ser; replaces proline 544 with serine.
Molecular consequence: missense variant.
Genome position (GRCh38, 1-based): chr6:112,165,198, G>A on the plus strand (C>T on the coding strand, the complement: LAMA4 is on the minus strand). VCF-style: chr6-112165198-G-A. GRCh37 (hg19) VCF-style: chr6-112486400-G-A.
Other names: c.1609C>T, p.Pro537Ser (NM_001105207.3, NM_002290.5); short protein forms P537S, P544S.
Identifiers: ClinVar variation 1776347 (VCV001776347.2), dbSNP rs143309381, ClinGen allele CA365367708.
Genomic context (GRCh38, chr6:112,165,198, plus strand): 5'-AACAAGTCACGTGCGTCCTTACCTTTATTATATCATCAAGTTCTGAAAGAGTTAGACGAG[G>A]TGTTGTCAGAGAGTCCGCAGATGTGCTCAGAGACATGTTCACCACTTCCATTTGTTCCCT-3'
Protein context (NP_001098676.2, residues 534-554): LSTSADSLTT[Pro544Ser]RLTLSELDDI

ClinVar aggregate classification (germline): Uncertain significance (1 of 4 stars; one submission).

Conditions:
Cardiovascular phenotype. Identifiers: MedGen CN230736.

Allele frequency attached by ClinVar (database versions not stated): gnomAD exomes below 0.00001.
gnomAD v4.1: 5 of 1,612,300 alleles (0.00031%); highest among the groups gnomAD compares: Non-Finnish European, 0.00042%; no homozygotes.

Submission:

Ambry Genetics
Classification: Uncertain significance for Cardiovascular phenotype. Last evaluated: 2022-06-19. Review status: criteria provided, single submitter. Criteria: Ambry Variant Classification Scheme 2023. Collection method: clinical testing. Allele origin: germline.
Comment: The p.P537S variant (also known as c.1609C>T), located in coding exon 12 of the LAMA4 gene, results from a C to T substitution at nucleotide position 1609. The proline at codon 537 is replaced by serine, an amino acid with similar properties. This amino acid position is conserved. In addition, this alteration is predicted to be tolerated by in silico analysis. Since supporting evidence is limited at this time, the clinical significance of this alteration remains unclear.